The following is an entry in ClinVar:

ClinVar aggregate classification (germline): Benign. Review status: criteria provided, single submitter (1 of 4 stars). 2 submissions from 2 submitters: Benign (1). 1 of the submissions does not count toward it. Last evaluated 2023-11-04.

Conditions:
IL17RD-related disorder. Also called: IL17RD-related condition.

Allele frequency attached by ClinVar (database versions not stated): gnomAD exomes 0.00050; ExAC 0.00125; TOPMed 0.00007; gnomAD 0.00024; 1000 Genomes Project 0.00160; 1000 Genomes Project 30x 0.00172.

Submissions (2):

Labcorp Genetics (formerly Invitae), Labcorp
Classification: Benign. Last evaluated: 2023-11-04. Review status: criteria provided, single submitter. Criteria: Invitae Variant Classification Sherloc (09022015). Collection method: clinical testing. Allele origin: germline.

PreventionGenetics, part of Exact Sciences
Classification: Likely benign for IL17RD-related condition. Last evaluated: 2019-12-06. Review status: no assertion criteria provided. Collection method: clinical testing. Allele origin: germline. Not counted in ClinVar's aggregate classification.
Comment: This variant is classified as likely benign based on ACMG/AMP sequence variant interpretation guidelines (Richards et al. 2015 PMID: 25741868, with internal and published modifications).

NM_017563.5(IL17RD):c.226G>A (p.Ala76Thr)

Gene: IL17RD (interleukin 17 receptor D; minus strand). Cytogenetic location: 3p14.3.
Variant type: single nucleotide variant.
Coding change: c.226G>A on transcript NM_017563.5 (MANE Select); coding-DNA position 226, G replaced by A.
Protein change: p.Ala76Thr; replaces alanine 76 with threonine.
Molecular consequence: missense variant. On other transcripts: 5 prime UTR variant (1).
Genome position (GRCh38, 1-based): chr3:57,114,776, C>T on the plus strand (G>A on the coding strand, the complement: IL17RD is on the minus strand). VCF-style: chr3-57114776-C-T. GRCh37 (hg19) VCF-style: chr3-57148804-C-T.
Other names: c.226G>A (NM_017563.4); c.226G>A, p.Ala76Thr (NM_001080973.1); c.-207G>A (NM_001318864.2); short protein forms A76T.
Identifiers: ClinVar variation 2063168 (VCV002063168.6), dbSNP rs541423556, ClinGen allele CA2463133.